The following is an entry in ClinVar:

NM_000260.4(MYO7A):c.2678C>A (p.Ala893Asp)

Gene: MYO7A (myosin VIIA; plus strand). Cytogenetic location: 11q13.5.
Variant type: single nucleotide variant.
Coding change: c.2678C>A on transcript NM_000260.4 (MANE Select); coding-DNA position 2678, C replaced by A.
Protein change: p.Ala893Asp; replaces alanine 893 with aspartic acid.
Molecular consequence: missense variant.
Genome position (GRCh38, 1-based): chr11:77,180,465, C>A. VCF-style: chr11-77180465-C-A. GRCh37 (hg19) VCF-style: chr11-76891511-C-A.
Other names: c.2678C>A, p.Ala893Asp (NM_001127180.2); c.2645C>A, p.Ala882Asp (NM_001369365.1); short protein forms A882D, A893D.
Identifiers: ClinVar variation 4852830 (VCV004852830.1).
Genomic context (GRCh38, chr11:77,180,465, plus strand): 5'-GGCTGGCGGAGGAAGAGAAGCTTCGGAAGGAGATGAGCGCCAAGAAGGCCAAGGAGGAGG[C>A]CGAGCGCAAGCATCAGGTGAGCTGAGAGCCTCCAGGCACCTTAGGTGTCCACTTGCTGGC-3'
Protein context (NP_000251.3, residues 883-903): EMSAKKAKEE[Ala893Asp]ERKHQERLAQ

ClinVar aggregate classification (germline): Likely pathogenic (1 of 4 stars; one submission).

Conditions:
Autosomal dominant nonsyndromic hearing loss 11. Identifiers: Orphanet 90635, MedGen C1832475, MONDO:0011032, OMIM 601317.

Submission:

Laboratory of Molecular, Cellular and Translation Genetics in Otolaryngology/ Lim32-hcfmusp, University of Sao Paulo School of Medicine Clinics Hospital
Classification: Likely pathogenic for Autosomal dominant nonsyndromic hearing loss 11. Last evaluated: 2026-04-30. Review status: criteria provided, single submitter. Criteria: ClinGen HL ACMG Specifications v1. Collection method: research. Allele origin: germline. Affected: yes.
Comment: NM_000260.4.2678C>A:p.(Ala893Asp). This variant has been classified as likely pathogenic. It is absent from population databases (PM2) and is predicted to have a deleterious effect on protein function by multiple in silico tools (PP3_moderate). In the present family, the variant cosegregates with postlingual progressive hearing loss in nine affected and is absent in three normal-hearing relatives, providing strong segregation evidence (PP1_strong). These findings support its role in autosomal dominant hearing loss.

Literature cited by the submitters: PubMed 42233699.